The following is an entry in ClinVar:

NM_000038.6(APC):c.3304del (p.Tyr1102fs)

Gene: APC (APC regulator of Wnt signaling pathway; plus strand). Cytogenetic location: 5q22.2.
Variant type: Deletion.
Coding change: c.3304del on transcript NM_000038.6 (MANE Select); coding-DNA position 3304, one base deleted (T; older notation c.3304delT).
Protein change: p.Tyr1102fs; shifts the reading frame from tyrosine 1102.
Molecular consequence: frameshift variant.
Genome position (GRCh38, 1-based): chr5:112,838,898, T deleted. VCF-style (leftmost placement, unchanged base first): chr5-112838897-AT-A. GRCh37 (hg19) VCF-style: chr5-112174594-AT-A.
Other names: c.3055delT, p.Tyr1019Thrfs (NM_001407454.1, NM_001407455.1, NM_001407456.1 and 1 more transcripts); c.3001delT, p.Tyr1001Thrfs (NM_001407458.1, NM_001407459.1, NM_001407460.1); c.2917delT, p.Tyr973Thrfs (NM_001407467.1, NM_001407469.1); c.2455delT, p.Tyr819Thrfs (NM_001407470.1); c.2152delT, p.Tyr718Thrfs (NM_001407471.1, NM_001407472.1); c.3304del, p.Tyr1102fs (NM_001127510.3, NM_001354895.2); c.3250del, p.Tyr1084fs (NM_001127511.3); c.3358del, p.Tyr1120fs (NM_001354896.2); and 17 more; short protein forms Y1011fs, Y1061fs, Y1074fs, Y1120fs, Y1112fs, Y819fs, Y1102fs, Y1001fs.
Identifiers: ClinVar variation 1730011 (VCV001730011.6), dbSNP rs2533488209, ClinGen allele CA2580072936.

ClinVar aggregate classification (germline): Pathogenic. Review status: criteria provided, multiple submitters, no conflicts (2 of 4 stars). 4 submissions from 4 submitters: Pathogenic (4). Last evaluated 2024-01-02.

Conditions:
Hereditary cancer-predisposing syndrome. Also called: Neoplastic Syndromes, Hereditary; Tumor predisposition; Hereditary Cancer Syndrome; Hereditary neoplastic syndrome. Identifiers: Orphanet 140162, MedGen C0027672, MeSH D009386, MONDO:0015356.
Familial multiple polyposis syndrome (FAP). Also called: Classic familial adenomatous polyposis; Familial adenomatous polyposis; Familial intestinal polyposis; Familial polyposis; Familial Adenomatous Polyposis (FAP). Identifiers: Orphanet 733, MedGen C0032580, MONDO:0021055. Disease mechanism: loss of function.
Familial adenomatous polyposis 1 (FAP1). Also called: FAMILIAL ADENOMATOUS POLYPOSIS 1, ATTENUATED; POLYPOSIS, ADENOMATOUS INTESTINAL. Identifiers: MedGen C2713442, MONDO:0021056, OMIM 175100. Disease mechanism: loss of function.

Submissions (4):

Women's Health and Genetics/Laboratory Corporation of America, LabCorp
Classification: Pathogenic for Familial multiple polyposis syndrome. Last evaluated: 2024-01-02. Review status: criteria provided, single submitter. Criteria: LabCorp Variant Classification Summary - May 2015. Collection method: clinical testing. Allele origin: germline.
Comment: Variant summary: APC c.3304delT (p.Tyr1102ThrfsX24) results in a premature termination codon, predicted to cause a truncation of the encoded protein, which is a commonly known mechanism for disease. Variants downstream of this position, such as c.3581C>A p.Ser1194X have been classified as pathogenic by our laboratory. The variant was absent in 250380 control chromosomes. c.3304delT has been reported in the literature in at-least one individual with early onset hepatoblastoma and family history of colectomy and colon cancer (example, Yang_2018). These data suggest this variant is very likely associated with disease. To our knowledge, no experimental evidence demonstrating an impact on protein function has been reported. The following publication have been ascertained in the context of this evaluation (PMID: 29251405). Three submitters have cited clinical-significance assessments for this variant to ClinVar after 2014. All submitters classified the variant as pathogenic. Based on the evidence outlined above, the variant was classified as pathogenic.

Myriad Genetics, Inc.
Classification: Pathogenic for Familial adenomatous polyposis 1. Last evaluated: 2023-05-08. Review status: criteria provided, single submitter. Criteria: Myriad Autosomal Dominant, Autosomal Recessive and X-Linked Classification Criteria (2023). Collection method: clinical testing. Allele origin: unknown.
Comment: This variant is considered pathogenic. This variant creates a frameshift predicted to result in premature protein truncation.

Baylor Genetics
Classification: Pathogenic for Familial adenomatous polyposis 1. Last evaluated: 2022-12-22. Review status: criteria provided, single submitter. Criteria: ACMG Guidelines, 2015. Collection method: clinical testing. Allele origin: unknown.

Ambry Genetics
Classification: Pathogenic for Hereditary cancer-predisposing syndrome. Last evaluated: 2021-11-29. Review status: criteria provided, single submitter. Criteria: Ambry Variant Classification Scheme 2023. Collection method: clinical testing. Allele origin: germline.
Comment: The c.3304delT pathogenic mutation, located in coding exon 15 of the APC gene, results from a deletion of one nucleotide at nucleotide position 3304, causing a translational frameshift with a predicted alternate stop codon (p.Y1102Tfs*24). This alteration occurs at the 3' terminus of theAPC gene, is not expected to trigger nonsense-mediated mRNA decay, and impacts the last 1742 amino acids of the protein. However, premature stop codons are typically deleterious in nature and the impacted region is critical for protein function (Ambry internal data). This alteration was identified in an individual with hepatoblastoma and a family history of colonic polyposis (Gupta A et al. Am J Surg Pathol, 2013 Jul;37:1058-66). This alteration has been observed in at least one individual with a personal and/or family history that is consistent with APC-related disease (Ambry internal data). This variant is considered to be rare based on population cohorts in the Genome Aggregation Database (gnomAD). Based on the supporting evidence, this alteration is interpreted as a disease-causing mutation.

Literature cited by the submitters: PubMed 29251405 (cited by Women's Health and Genetics/Laboratory Corporation of America, LabCorp); PubMed 23715166 (cited by Ambry Genetics).